The following is an entry in ClinVar:

ClinVar aggregate classification (germline): Uncertain significance (1 of 4 stars; one submission).

Conditions:
Hereditary cancer-predisposing syndrome. Also called: Neoplastic Syndromes, Hereditary; Hereditary Cancer Syndrome; Hereditary neoplastic syndrome; Tumor predisposition. Identifiers: Orphanet 140162, MedGen C0027672, MeSH D009386, MONDO:0015356.

Submission:

Ambry Genetics
Classification: Uncertain significance for Hereditary cancer-predisposing syndrome. Last evaluated: 2023-05-19. Review status: criteria provided, single submitter. Criteria: Ambry Variant Classification Scheme 2023. Collection method: clinical testing. Allele origin: germline.
Comment: The p.G1388A variant (also known as c.4163G>C), located in coding exon 23 of the PTCH1 gene, results from a G to C substitution at nucleotide position 4163. The glycine at codon 1388 is replaced by alanine, an amino acid with similar properties. This amino acid position is conserved. In addition, this alteration is predicted to be tolerated by in silico analysis. Since supporting evidence is limited at this time, the clinical significance of this alteration remains unclear.

NM_000264.5(PTCH1):c.4163G>C (p.Gly1388Ala)

Gene: PTCH1 (patched 1; minus strand). Cytogenetic location: 9q22.32.
Variant type: single nucleotide variant.
Coding change: c.4163G>C on transcript NM_000264.5 (MANE Select); coding-DNA position 4163, G replaced by C.
Protein change: p.Gly1388Ala; replaces glycine 1388 with alanine.
Molecular consequence: missense variant. On other transcripts: non-coding transcript variant (1).
Genome position (GRCh38, 1-based): chr9:95,447,093, C>G on the plus strand (G>C on the coding strand, the complement: PTCH1 is on the minus strand). VCF-style: chr9-95447093-C-G. GRCh37 (hg19) VCF-style: chr9-98209375-C-G.
Other names: c.3965G>C, p.Gly1322Ala (NM_001083602.3); c.4160G>C, p.Gly1387Ala (NM_001083603.3); c.3710G>C, p.Gly1237Ala (NM_001083604.3, NM_001083605.3, NM_001083606.3 and 1 more transcripts); c.4007G>C, p.Gly1336Ala (NM_001354918.2); short protein forms G1237A, G1336A, G1388A, G1322A, G1387A.
Identifiers: ClinVar variation 2564396 (VCV002564396.2), dbSNP rs2136574479, ClinGen allele CA374110201.